The following is an entry in ClinVar:

NM_000245.4(MET):c.2851T>C (p.Phe951Leu)

Gene: MET (MET proto-oncogene, receptor tyrosine kinase; plus strand). Cytogenetic location: 7q31.2.
Variant type: single nucleotide variant.
Coding change: c.2851T>C on transcript NM_000245.4 (MANE Select); coding-DNA position 2851, T replaced by C.
Protein change: p.Phe951Leu; replaces phenylalanine 951 with leucine.
Molecular consequence: missense variant.
Genome position (GRCh38, 1-based): chr7:116,771,618, T>C. VCF-style: chr7-116771618-T-C. GRCh37 (hg19) VCF-style: chr7-116411672-T-C.
Other names: c.2905T>C (LRG_662t1); c.2905T>C, p.Phe969Leu (NM_001127500.3); c.1561T>C, p.Phe521Leu (NM_001324402.2); short protein forms F969L, F521L, F951L.
Identifiers: ClinVar variation 632892 (VCV000632892.19), dbSNP rs756670611, ClinGen allele CA4448592.

ClinVar aggregate classification (germline): Conflicting classifications of pathogenicity. Review status: criteria provided, conflicting classifications (1 of 4 stars). 6 submissions from 6 submitters: Uncertain significance (5); Likely benign (1). Last evaluated 2026-08-17.

Conditions:
MET-related disorder. Also called: MET-related condition.
Renal cell carcinoma. Identifiers: Orphanet 217071, MedGen C0007134, MeSH D002292, MONDO:0005086, HP:0005584.
Hereditary cancer-predisposing syndrome. Also called: Neoplastic Syndromes, Hereditary; Tumor predisposition; Hereditary neoplastic syndrome; Hereditary Cancer Syndrome. Identifiers: Orphanet 140162, MedGen C0027672, MeSH D009386, MONDO:0015356.

Allele frequency attached by ClinVar (database versions not stated): gnomAD 0.00001; gnomAD exomes 0.00001 and 0.00003; ExAC 0.00002; TOPMed 0.00002.
gnomAD v4.1: 8 of 1,613,740 alleles (0.0005%); highest among the groups gnomAD compares: Admixed American, 0.012%; no homozygotes.

Submissions (6):

PreventionGenetics, part of Exact Sciences
Classification: Uncertain significance for MET-related condition. Last evaluated: 2026-08-17. Review status: criteria provided, single submitter. Criteria: ACMG Guidelines, 2015. Collection method: clinical testing. Allele origin: germline.
Comment: The MET c.2905T>C variant is predicted to result in the amino acid substitution p.Phe969Leu. To our knowledge, this variant has not been reported in the literature. This variant is reported in 0.017% of alleles in individuals of Latino descent in gnomAD. This variant has conflicting interpretations in ClinVar ranging from uncertain to likely benign (Variation ID: 632892). At this time, the clinical significance of this variant is uncertain due to the absence of conclusive functional and genetic evidence.

Labcorp Genetics (formerly Invitae), Labcorp
Classification: Uncertain significance for Renal cell carcinoma. Last evaluated: 2026-01-18. Review status: criteria provided, single submitter. Criteria: Invitae Variant Classification Sherloc (09022015). Collection method: clinical testing. Allele origin: germline.
Comment: This sequence change replaces phenylalanine, which is neutral and non-polar, with leucine, which is neutral and non-polar, at codon 969 of the MET protein (p.Phe969Leu). This variant is present in population databases (rs756670611, gnomAD 0.02%). This variant has not been reported in the literature in individuals affected with MET-related conditions. ClinVar contains an entry for this variant (Variation ID: 632892). Invitae Evidence Modeling of protein sequence and biophysical properties (such as structural, functional, and spatial information, amino acid conservation, physicochemical variation, residue mobility, and thermodynamic stability) indicates that this missense variant is not expected to disrupt MET protein function with a negative predictive value of 80%. In summary, the available evidence is currently insufficient to determine the role of this variant in disease. Therefore, it has been classified as a Variant of Uncertain Significance.

GeneDx
Classification: Uncertain significance. Last evaluated: 2023-01-23. Review status: criteria provided, single submitter. Criteria: GeneDx Variant Classification Process June 2021. Collection method: clinical testing. Allele origin: germline. Affected: yes.
Comment: In silico analysis supports that this missense variant does not alter protein structure/function; Has not been previously published as pathogenic or benign to our knowledge

Quest Diagnostics Nichols Institute San Juan Capistrano
Classification: Uncertain significance. Last evaluated: 2021-07-29. Review status: criteria provided, single submitter. Criteria: Quest Diagnostics criteria. Collection method: clinical testing. Allele origin: unknown.

Women's Health and Genetics/Laboratory Corporation of America, LabCorp
Classification: Uncertain significance. Last evaluated: 2018-10-29. Review status: criteria provided, single submitter. Criteria: LabCorp Variant Classification Summary - May 2015. Collection method: clinical testing. Allele origin: germline.
Comment: Variant summary: MET c.2905T>C (p.Phe969Leu) results in a non-conservative amino acid change in the encoded protein sequence. Four of five in-silico tools predict a benign effect of the variant on protein function. The variant allele was found at a frequency of 2.8e-05 in 246010 control chromosomes (gnomAD). The available data on variant occurrences in the general population are insufficient to allow any conclusion about variant significance. To our knowledge, no occurrence of c.2905T>C in individuals affected with Papillary Renal Cell Carcinoma and no experimental evidence demonstrating its impact on protein function have been reported. No clinical diagnostic laboratories have submitted clinical-significance assessments for this variant to ClinVar after 2014. Based on the evidence outlined above, the variant was classified as uncertain significance.

Ambry Genetics
Classification: Likely benign for Hereditary cancer-predisposing syndrome. Last evaluated: 2017-11-02. Review status: criteria provided, single submitter. Criteria: Ambry Variant Classification Scheme 2023. Collection method: clinical testing. Allele origin: germline.